The following is an entry in ClinVar:

NM_004172.5(SLC1A3):c.693G>A (p.Leu231=)

Genes: SLC1A3 (solute carrier family 1 member 3; plus strand), SLC1A3-AS1 (SLC1A3 antisense RNA 1; minus strand). Cytogenetic location: 5p13.2.
Variant type: single nucleotide variant.
Coding change: c.693G>A on transcript NM_004172.5 (MANE Select); coding-DNA position 693, G replaced by A.
Protein change: p.Leu231=; no amino-acid change (leucine 231 retained).
Molecular consequence: synonymous variant. On other transcripts: intron variant (1).
Genome position (GRCh38, 1-based): chr5:36,677,017, G>A. VCF-style: chr5-36677017-G-A. GRCh37 (hg19) VCF-style: chr5-36677119-G-A.
Other names: c.693G>A, p.Leu231= (NM_001166695.3); c.555G>A, p.Leu185= (NM_001289939.2); c.525-2610G>A (NM_001289940.2).
Identifiers: ClinVar variation 2684387 (VCV002684387.1), dbSNP rs2478144773, ClinGen allele CA443903754.
Genomic context (GRCh38, chr5:36,677,017, plus strand): 5'-TGCTGTGATAAACAATGTGTCTGAGGCCATGGAGACTCTTACCCGAATCACAGAGGAGCT[G>A]GTCCCAGTTCCAGGATCTGTGAATGGAGTCAATGCCCTGGGTCTAGTTGTCTTCTCCATG-3'
Protein context (NP_004163.3, residues 221-241): METLTRITEE[Leu231=]VPVPGSVNGV

ClinVar aggregate classification (germline): Uncertain significance (1 of 4 stars; one submission).

Submission:

Athena Diagnostics
Classification: Uncertain significance. Last evaluated: 2023-06-07. Review status: criteria provided, single submitter. Criteria: Athena Diagnostics Criteria. Collection method: clinical testing. Allele origin: unknown.
Comment: Available data are insufficient to determine the clinical significance of the variant at this time. This variant has not been reported in large, multi-ethnic general populations. Computational tools yielded predictions that this variant is unlikely to have an effect on normal RNA splicing.